The following is an entry in ClinVar:

NM_177438.3(DICER1):c.2527C>G (p.Leu843Val)

Gene: DICER1 (dicer 1, ribonuclease III; minus strand). Cytogenetic location: 14q32.13.
Variant type: single nucleotide variant.
Coding change: c.2527C>G on transcript NM_177438.3 (MANE Select); coding-DNA position 2527, C replaced by G.
Protein change: p.Leu843Val; replaces leucine 843 with valine.
Molecular consequence: missense variant. On other transcripts: non-coding transcript variant (6).
Genome position (GRCh38, 1-based): chr14:95,108,003, G>C on the plus strand (C>G on the coding strand, the complement: DICER1 is on the minus strand). VCF-style: chr14-95108003-G-C. GRCh37 (hg19) VCF-style: chr14-95574340-G-C.
Other names: c.2527C>G, p.Leu843Val (NM_001195573.1, NM_001271282.3, NM_001291628.2 and 13 more transcripts); c.2245C>G, p.Leu749Val (NM_001395686.1); c.2122C>G, p.Leu708Val (NM_001395687.1, NM_001395688.1, NM_001395689.1 and 2 more transcripts); c.1960C>G, p.Leu654Val (NM_001395691.1); c.844C>G, p.Leu282Val (NM_001395697.1); short protein forms L708V, L749V, L843V, L282V, L654V.
Identifiers: ClinVar variation 2102457 (VCV002102457.4), dbSNP rs1555370815, ClinGen allele CA390881834.
Genomic context (GRCh38, chr14:95,108,003, plus strand): 5'-GTTTTTCAAGCCGAAGAATATGTGAGAATATATACTGGTGAAGTCTTGTAATCAACTCAA[G>C]CATTTGTAGAGACAACATGAAACCAGACTTCTTCAACTCAATGGATATGGTAACCTCTCC-3'
Protein context (NP_803187.1, residues 833-853): KSGFMLSLQM[Leu843Val]ELITRLHQYI

ClinVar aggregate classification (germline): Uncertain significance (1 of 4 stars; one submission).

Conditions:
DICER1-related tumor predisposition. Also called: DICER1 syndrome; DICER1-related pleuropulmonary blastoma cancer predisposition syndrome. Identifiers: Orphanet 284343, MedGen C3839822, MONDO:0100216.

Submission:

Labcorp Genetics (formerly Invitae), Labcorp
Classification: Uncertain significance for DICER1-related tumor predisposition. Last evaluated: 2022-02-23. Review status: criteria provided, single submitter. Criteria: Invitae Variant Classification Sherloc (09022015). Collection method: clinical testing. Allele origin: germline.
Comment: This variant has not been reported in the literature in individuals affected with DICER1-related conditions. This variant is not present in population databases (gnomAD no frequency). This sequence change replaces leucine, which is neutral and non-polar, with valine, which is neutral and non-polar, at codon 843 of the DICER1 protein (p.Leu843Val). Algorithms developed to predict the effect of missense changes on protein structure and function are either unavailable or do not agree on the potential impact of this missense change (SIFT: "Deleterious"; PolyPhen-2: "Benign"; Align-GVGD: "Class C15"). In summary, the available evidence is currently insufficient to determine the role of this variant in disease. Therefore, it has been classified as a Variant of Uncertain Significance.